The following is an entry in ClinVar:

ClinVar aggregate classification (germline): Pathogenic (1 of 4 stars; one submission).

Conditions:
Melnick-Fraser syndrome (BOR). Also called: Branchio-oto-renal syndrome; Branchiootorenal Syndrome (BORS); Branchiootorenal syndrome. Identifiers: Orphanet 107, MedGen C0265234, MONDO:0007029.

Submission:

Labcorp Genetics (formerly Invitae), Labcorp
Classification: Pathogenic for Melnick-Fraser syndrome. Last evaluated: 2023-12-03. Review status: criteria provided, single submitter. Criteria: Invitae Variant Classification Sherloc (09022015). Collection method: clinical testing. Allele origin: germline.
Comment: A gross deletion of the genomic region encompassing the full coding sequence of the EYA1 gene has been identified. Loss-of-function variants in EYA1 are known to be pathogenic (PMID: 10464653, 18220287). The boundaries of this event are unknown as they extend beyond the assayed region for this gene and therefore may encompass additional genes. A similar copy number variant has been observed in individual(s) with clinical features of Branchiootorenal syndrome (PMID: 31427586). It has also been observed to segregate with disease in related individuals. For these reasons, this variant has been classified as Pathogenic.

Literature cited by the submitters: PubMed 10464653; PubMed 18220287; PubMed 31427586.

NC_000008.10:g.(?_72111575)_(72267140_?)del

Gene: EYA1 (EYA transcriptional coactivator and phosphatase 1; minus strand). Cytogenetic location: 8q13.3.
Variant type: Deletion.
Identifiers: ClinVar variation 1452496 (VCV001452496.5).